The following is an entry in ClinVar:

ClinVar aggregate classification (germline): Uncertain significance (1 of 4 stars; one submission).

Conditions:
Inborn genetic diseases. Identifiers: MedGen C0950123, MeSH D030342.

Submission:

Ambry Genetics
Classification: Uncertain significance for Inborn genetic diseases. Last evaluated: 2024-02-25. Review status: criteria provided, single submitter. Criteria: Ambry Variant Classification Scheme 2023. Collection method: clinical testing. Allele origin: germline.
Comment: The p.D706E variant (also known as c.2118T>G), located in coding exon 18 of the LRRK2 gene, results from a T to G substitution at nucleotide position 2118. The aspartic acid at codon 706 is replaced by glutamic acid, an amino acid with highly similar properties. This amino acid position is conserved. In addition, this alteration is predicted to be tolerated by in silico analysis. Since supporting evidence is limited at this time, the clinical significance of this alteration remains unclear.

NM_198578.4(LRRK2):c.2118T>G (p.Asp706Glu)

Gene: LRRK2 (leucine rich repeat kinase 2; plus strand). Cytogenetic location: 12q12.
Variant type: single nucleotide variant.
Coding change: c.2118T>G on transcript NM_198578.4 (MANE Select); coding-DNA position 2118, T replaced by G.
Protein change: p.Asp706Glu; replaces aspartic acid 706 with glutamic acid.
Molecular consequence: missense variant.
Genome position (GRCh38, 1-based): chr12:40,278,138, T>G. VCF-style: chr12-40278138-T-G. GRCh37 (hg19) VCF-style: chr12-40671940-T-G.
Other names: short protein forms D706E.
Identifiers: ClinVar variation 1786200 (VCV001786200.2), dbSNP rs2499638741, ClinGen allele CA384405067.